The following is an entry in ClinVar:

NM_005121.3(MED13):c.5497del (p.Ser1833fs)

Gene: MED13 (mediator complex subunit 13; minus strand). Cytogenetic location: 17q23.2.
Variant type: Deletion.
Coding change: c.5497del on transcript NM_005121.3 (MANE Select); coding-DNA position 5497, one base deleted (A; older notation c.5497delA).
Protein change: p.Ser1833fs; shifts the reading frame from serine 1833.
Molecular consequence: frameshift variant.
Genome position (GRCh38, 1-based): chr17:61,956,465, T deleted on the plus strand (A on the coding strand, the reverse complement: MED13 is on the minus strand); the first of 7 consecutive T bases (chr17:61,956,465-61,956,471); deleting any one gives the same sequence. VCF-style (leftmost placement, unchanged base first): chr17-61956464-CT-C. GRCh37 (hg19) VCF-style: chr17-60033825-CT-C.
Other names: short protein forms S1833fs.
Identifiers: ClinVar variation 2502044 (VCV002502044.2), dbSNP rs777135960, ClinGen allele CA2580613206.

ClinVar aggregate classification (germline): Likely pathogenic (1 of 4 stars; one submission).

Submission:

GeneDx
Classification: Likely pathogenic. Last evaluated: 2025-04-11. Review status: criteria provided, single submitter. Criteria: GeneDx Variant Classification Process June 2021. Collection method: clinical testing. Allele origin: germline.
Comment: Frameshift variant predicted to result in protein truncation or nonsense mediated decay in a gene for which loss of function is a known mechanism of disease; Not observed at significant frequency in large population cohorts (gnomAD); Has not been previously published as pathogenic or benign to our knowledge